The following is an entry in ClinVar:

NM_024665.7(TBL1XR1):c.585A>G (p.Ile195Met)

Gene: TBL1XR1 (TBL1X/Y related 1; minus strand). Cytogenetic location: 3q26.32.
Variant type: single nucleotide variant.
Coding change: c.585A>G on transcript NM_024665.7 (MANE Select); coding-DNA position 585, A replaced by G.
Protein change: p.Ile195Met; replaces isoleucine 195 with methionine.
Molecular consequence: missense variant.
Genome position (GRCh38, 1-based): chr3:177,050,114, T>C on the plus strand (A>G on the coding strand, the complement: TBL1XR1 is on the minus strand). VCF-style: chr3-177050114-T-C. GRCh37 (hg19) VCF-style: chr3-176767902-T-C.
Other names: c.585A>G, p.Ile195Met (NM_001321193.3, NM_001321194.3, NM_001374327.1 and 2 more transcripts); c.324A>G, p.Ile108Met (NM_001321195.3, NM_001374330.1); short protein forms I108M, I195M.
Identifiers: ClinVar variation 2661943 (VCV002661943.2), dbSNP rs2473720646, ClinGen allele CA355552649.

ClinVar aggregate classification (germline): Uncertain significance (1 of 4 stars; one submission).

Submission:

GeneDx
Classification: Uncertain significance. Last evaluated: 2026-05-22. Review status: criteria provided, single submitter. Criteria: GeneDx Variant Classification Process June 2021. Collection method: clinical testing. Allele origin: germline.
Comment: Not observed at significant frequency in large population cohorts (gnomAD); In silico analysis suggests that this missense variant does not alter protein structure/function; Has not been previously published as pathogenic or benign to our knowledge